The following is an entry in ClinVar:

NM_182746.3(MCM4):c.1104C>A (p.His368Gln)

Gene: MCM4 (minichromosome maintenance complex component 4; plus strand). Cytogenetic location: 8q11.21.
Variant type: single nucleotide variant.
Coding change: c.1104C>A on transcript NM_182746.3 (MANE Select); coding-DNA position 1104, C replaced by A.
Protein change: p.His368Gln; replaces histidine 368 with glutamine.
Molecular consequence: missense variant.
Genome position (GRCh38, 1-based): chr8:47,967,415, C>A. VCF-style: chr8-47967415-C-A. GRCh37 (hg19) VCF-style: chr8-48879975-C-A.
Other names: c.1104C>A, p.His368Gln (NM_005914.4); short protein forms H368Q.
Identifiers: ClinVar variation 2084908 (VCV002084908.4), dbSNP rs749370007, ClinGen allele CA371149960.

ClinVar aggregate classification (germline): Uncertain significance (1 of 4 stars; one submission).

Submission:

Labcorp Genetics (formerly Invitae), Labcorp
Classification: Uncertain significance. Last evaluated: 2022-01-16. Review status: criteria provided, single submitter. Criteria: Invitae Variant Classification Sherloc (09022015). Collection method: clinical testing. Allele origin: germline.
Comment: This variant has not been reported in the literature in individuals affected with MCM4-related conditions. This sequence change replaces histidine, which is basic and polar, with glutamine, which is neutral and polar, at codon 368 of the MCM4 protein (p.His368Gln). This variant is not present in population databases (gnomAD no frequency). Algorithms developed to predict the effect of missense changes on protein structure and function are either unavailable or do not agree on the potential impact of this missense change (SIFT: "Deleterious"; PolyPhen-2: "Benign"; Align-GVGD: "Class C15"). In summary, the available evidence is currently insufficient to determine the role of this variant in disease. Therefore, it has been classified as a Variant of Uncertain Significance.